The following is an entry in ClinVar:

ClinVar aggregate classification (germline): Uncertain significance. Review status: criteria provided, multiple submitters, no conflicts (2 of 4 stars). 2 submissions from 2 submitters: Uncertain significance (2). Last evaluated 2025-06-03.

Conditions:
Inborn genetic diseases. Identifiers: MedGen C0950123, MeSH D030342.

gnomAD v4.1: 4 of 1,614,124 alleles (0.00025%); highest among the groups gnomAD compares: Admixed American, 0.0067%; no homozygotes.

Submissions (2):

Ambry Genetics
Classification: Uncertain significance for Inborn genetic diseases. Last evaluated: 2025-06-03. Review status: criteria provided, single submitter. Criteria: Ambry Variant Classification Scheme 2023. Collection method: clinical testing. Allele origin: germline.

Women's Health and Genetics/Laboratory Corporation of America, LabCorp
Classification: Uncertain significance. Last evaluated: 2024-09-18. Review status: criteria provided, single submitter. Criteria: LabCorp Variant Classification Summary - May 2015. Collection method: clinical testing. Allele origin: germline.
Comment: Variant summary: SRRM2 c.454G>C (p.Asp152His) results in a non-conservative amino acid change in the encoded protein sequence. Three of five in-silico tools predict a damaging effect of the variant on protein function. The variant allele was found at a frequency of 1.6e-05 in 249050 control chromosomes. The available data on variant occurrences in the general population are insufficient to allow any conclusion about variant significance. To our knowledge, no occurrence of c.454G>C in individuals affected with Intellectual Developmental Disorder, Autosomal Dominant 72 and no experimental evidence demonstrating its impact on protein function have been reported. No submitters have cited clinical-significance assessments for this variant to ClinVar. Based on the evidence outlined above, the variant was classified as uncertain significance.

NM_016333.4(SRRM2):c.454G>C (p.Asp152His)

Genes: SRRM2 (serine/arginine repetitive matrix 2; plus strand), LOC126862261 (BRD4-independent group 4 enhancer GRCh37_chr16:2807529-2808728; plus strand). Cytogenetic location: 16p13.3.
Variant type: single nucleotide variant.
Coding change: c.454G>C on transcript NM_016333.4 (MANE Select); coding-DNA position 454, G replaced by C.
Protein change: p.Asp152His; replaces aspartic acid 152 with histidine.
Molecular consequence: missense variant.
Genome position (GRCh38, 1-based): chr16:2,757,884, G>C. VCF-style: chr16-2757884-G-C. GRCh37 (hg19) VCF-style: chr16-2807885-G-C.
Other names: c.454G>C (NM_016333.3); short protein forms D152H.
Identifiers: ClinVar variation 3375415 (VCV003375415.2).